The following is an entry in ClinVar:

ClinVar aggregate classification (germline): Pathogenic. Review status: criteria provided, multiple submitters, no conflicts (2 of 4 stars). 2 submissions from 2 submitters: Pathogenic (2). Last evaluated 2024-04-27.

Conditions:
Retinitis pigmentosa (RP). Identifiers: Orphanet 791, MedGen C0035334, MeSH D012174, MONDO:0019200, OMIM 268000. Inheritance: Autosomal dominant, autosomal recessive and X linked inheritance.

Submissions (2):

Labcorp Genetics (formerly Invitae), Labcorp
Classification: Pathogenic. Last evaluated: 2024-04-27. Review status: criteria provided, single submitter. Criteria: Invitae Variant Classification Sherloc (09022015). Collection method: clinical testing. Allele origin: germline.
Comment: This sequence change affects an acceptor splice site in intron 2 of the PRPF31 gene. It is expected to disrupt RNA splicing. Variants that disrupt the donor or acceptor splice site typically lead to a loss of protein function (PMID: 16199547), and loss-of-function variants in PRPF31 are known to be pathogenic (PMID: 18317597, 23950152). This variant is not present in population databases (gnomAD no frequency). Disruption of this splice site has been observed in individuals with retinitis pigmentosa (PMID: 30902645, 32531858). ClinVar contains an entry for this variant (Variation ID: 813072). Algorithms developed to predict the effect of sequence changes on RNA splicing suggest that this variant may disrupt the consensus splice site. For these reasons, this variant has been classified as Pathogenic.

Molecular Genetics Laboratory, Institute for Ophthalmic Research
Classification: Pathogenic for Retinitis pigmentosa. Last evaluated: 2020-01-09. Review status: criteria provided, single submitter. Criteria: ACMG Guidelines, 2015. Collection method: research. Allele origin: germline. Affected: yes.

Literature cited by the submitters: PubMed 16199547 (cited by Labcorp Genetics (formerly Invitae), Labcorp); PubMed 18317597 (cited by Labcorp Genetics (formerly Invitae), Labcorp); PubMed 23950152 (cited by Labcorp Genetics (formerly Invitae), Labcorp); PubMed 30902645 (cited by Labcorp Genetics (formerly Invitae), Labcorp); PubMed 32531858 (cited by Labcorp Genetics (formerly Invitae), Labcorp).

NM_015629.4(PRPF31):c.178-2A>G

Gene: PRPF31 (pre-mRNA processing factor 31; plus strand). Cytogenetic location: 19q13.42.
Variant type: single nucleotide variant.
Coding change: c.178-2A>G on transcript NM_015629.4 (MANE Select); the canonical splice acceptor site of the intron before coding-DNA position 178, A replaced by G.
Molecular consequence: splice acceptor variant.
Genome position (GRCh38, 1-based): chr19:54,118,571, A>G. VCF-style: chr19-54118571-A-G. GRCh37 (hg19) VCF-style: chr19-54621951-A-G.
Identifiers: ClinVar variation 813072 (VCV000813072.3), dbSNP rs2073708638, ClinGen allele CA407790275.